The following is an entry in ClinVar:

NM_001105206.3(LAMA4):c.863C>G (p.Ala288Gly)

Gene: LAMA4 (laminin subunit alpha 4; minus strand). Cytogenetic location: 6q21.
Variant type: single nucleotide variant.
Coding change: c.863C>G on transcript NM_001105206.3 (MANE Select); coding-DNA position 863, C replaced by G.
Protein change: p.Ala288Gly; replaces alanine 288 with glycine.
Molecular consequence: missense variant.
Genome position (GRCh38, 1-based): chr6:112,187,553, G>C on the plus strand (C>G on the coding strand, the complement: LAMA4 is on the minus strand). VCF-style: chr6-112187553-G-C. GRCh37 (hg19) VCF-style: chr6-112508755-G-C.
Other names: c.842C>G, p.Ala281Gly (NM_001105207.3, NM_002290.5); short protein forms A281G, A288G.
Identifiers: ClinVar variation 44410 (VCV000044410.25), dbSNP rs150084275, ClinGen allele CA134059.

ClinVar aggregate classification (germline): Conflicting classifications of pathogenicity. Review status: criteria provided, conflicting classifications (1 of 4 stars). 11 submissions from 11 submitters: Uncertain significance (1); Likely benign (4). 6 of the submissions do not count toward it. Last evaluated 2026-01-26.

Conditions:
Cardiovascular phenotype. Identifiers: MedGen CN230736.
Dilated cardiomyopathy 1JJ (CMD1JJ). Identifiers: Orphanet 154, MedGen C3808935, MONDO:0014095, OMIM 615235.
LAMA4-related disorder. Also called: LAMA4-related condition.

Allele frequency attached by ClinVar (database versions not stated): ExAC 0.00064; 1000 Genomes Project 30x 0.00078; TOPMed 0.00033; gnomAD 0.00039 and 0.00041; 1000 Genomes Project 0.00040; gnomAD exomes 0.00051 and 0.00053; ESP Exome Variant Server 0.00031.
gnomAD v4.1: 834 of 1,613,910 alleles (0.052%); highest among the groups gnomAD compares: South Asian, 0.089%; no homozygotes.

Submissions (11):

Labcorp Genetics (formerly Invitae), Labcorp
Classification: Likely benign for Dilated cardiomyopathy 1JJ. Last evaluated: 2026-01-26. Review status: criteria provided, single submitter. Criteria: Invitae Variant Classification Sherloc (09022015). Collection method: clinical testing. Allele origin: germline.

Women's Health and Genetics/Laboratory Corporation of America, LabCorp
Classification: Likely benign. Last evaluated: 2024-01-01. Review status: criteria provided, single submitter. Criteria: LabCorp Variant Classification Summary - May 2015. Collection method: clinical testing. Allele origin: germline.

GeneDx
Classification: Likely benign. Last evaluated: 2020-11-11. Review status: criteria provided, single submitter. Criteria: GeneDx Variant Classification Process June 2021. Collection method: clinical testing. Allele origin: germline. Affected: yes.
Comment: This variant is associated with the following publications: (PMID: 28798025)

Ambry Genetics
Classification: Likely benign for Cardiovascular phenotype. Last evaluated: 2018-10-08. Review status: criteria provided, single submitter. Criteria: Ambry Variant Classification Scheme 2023. Collection method: clinical testing. Allele origin: germline.

Laboratory for Molecular Medicine, Mass General Brigham Personalized Medicine
Classification: Uncertain significance. Last evaluated: 2013-01-04. Review status: criteria provided, single submitter. Criteria: LMM Criteria. Collection method: clinical testing. Allele origin: germline. Observed: 1 variant allele.
Comment: The Ala281Gly variant in LAMA4 has not been reported in the literature nor previ ously detected by our laboratory. It is present in 3/8600 European American chro mosomes from a large population screened by the NHLBI Exome Sequencing Project (dbSNP rs150084275). Alanine (Ala) at position 281 is not evolutionarily conserved and this variant (Ala281Gly) is present in another mammalian species, suggesting that it may be tolerated. Computational an alyses (biochemical amino acid properties, AlignGVGD, PolyPhen2, and SIFT) sugge st that the Ala281Gly variant may not impact the protein, though this informatio n is not predictive enough to rule out pathogenicity. Additional information is needed to fully assess the clinical significance of the Ala281Gly variant.

PreventionGenetics, part of Exact Sciences
Classification: Likely benign for LAMA4-related condition. Last evaluated: 2022-12-09. Review status: no assertion criteria provided. Collection method: clinical testing. Allele origin: germline. Not counted in ClinVar's aggregate classification.
Comment: This variant is classified as likely benign based on ACMG/AMP sequence variant interpretation guidelines (Richards et al. 2015 PMID: 25741868, with internal and published modifications).

Clinical Genetics DNA and cytogenetics Diagnostics Lab, Erasmus MC, Erasmus Medical Center
Classification: Likely benign. Review status: no assertion criteria provided. Collection method: clinical testing. Allele origin: germline. Affected: yes. Study: VKGL Data-share Consensus. Not counted in ClinVar's aggregate classification.

Clinical Genetics, Academic Medical Center
Classification: Likely benign. Review status: no assertion criteria provided. Collection method: clinical testing. Allele origin: germline. Affected: yes. Study: VKGL Data-share Consensus. Not counted in ClinVar's aggregate classification.

Diagnostic Laboratory, Department of Genetics, University Medical Center Groningen
Classification: Likely benign for Dilated cardiomyopathy 1JJ. Review status: no assertion criteria provided. Collection method: clinical testing. Allele origin: germline. Affected: yes. Study: VKGL Data-share Consensus. Not counted in ClinVar's aggregate classification.

Genome Diagnostics Laboratory, University Medical Center Utrecht
Classification: Likely benign. Review status: no assertion criteria provided. Collection method: clinical testing. Allele origin: germline. Affected: yes. Study: VKGL Data-share Consensus. Not counted in ClinVar's aggregate classification.

Joint Genome Diagnostic Labs from Nijmegen and Maastricht, Radboudumc and MUMC+
Classification: Likely benign. Review status: no assertion criteria provided. Collection method: clinical testing. Allele origin: germline. Affected: yes. Study: VKGL Data-share Consensus. Not counted in ClinVar's aggregate classification.

Literature cited by the submitters: PubMed 28798025 (cited by Ambry Genetics).